The following is an entry in ClinVar:

ClinVar aggregate classification (germline): Uncertain significance (1 of 4 stars; one submission).

Conditions:
Familial adenomatous polyposis 1 (FAP1). Also called: POLYPOSIS, ADENOMATOUS INTESTINAL; FAMILIAL ADENOMATOUS POLYPOSIS 1, ATTENUATED. Identifiers: MedGen C2713442, MONDO:0021056, OMIM 175100. Disease mechanism: loss of function.

Submission:

Labcorp Genetics (formerly Invitae), Labcorp
Classification: Uncertain significance for Familial adenomatous polyposis 1. Last evaluated: 2023-10-13. Review status: criteria provided, single submitter. Criteria: Invitae Variant Classification Sherloc (09022015). Collection method: clinical testing. Allele origin: germline.
Comment: This sequence change replaces lysine, which is basic and polar, with glutamic acid, which is acidic and polar, at codon 1982 of the APC protein (p.Lys1982Glu). This variant is not present in population databases (gnomAD no frequency). This variant has not been reported in the literature in individuals affected with APC-related conditions. Advanced modeling of protein sequence and biophysical properties (such as structural, functional, and spatial information, amino acid conservation, physicochemical variation, residue mobility, and thermodynamic stability) performed at Invitae indicates that this missense variant is not expected to disrupt APC protein function. In summary, the available evidence is currently insufficient to determine the role of this variant in disease. Therefore, it has been classified as a Variant of Uncertain Significance.

NM_000038.6(APC):c.5944A>G (p.Lys1982Glu)

Gene: APC (APC regulator of Wnt signaling pathway; plus strand). Cytogenetic location: 5q22.2.
Variant type: single nucleotide variant.
Coding change: c.5944A>G on transcript NM_000038.6 (MANE Select); coding-DNA position 5944, A replaced by G.
Protein change: p.Lys1982Glu; replaces lysine 1982 with glutamic acid.
Molecular consequence: missense variant. On other transcripts: non-coding transcript variant (2).
Genome position (GRCh38, 1-based): chr5:112,841,538, A>G. VCF-style: chr5-112841538-A-G. GRCh37 (hg19) VCF-style: chr5-112177235-A-G.
Other names: c.5944A>G, p.Lys1982Glu (NM_001127510.3, NM_001354895.2, NM_001407450.1); c.5890A>G, p.Lys1964Glu (NM_001127511.3); c.5998A>G, p.Lys2000Glu (NM_001354896.2, NM_001407447.1, NM_001407448.1 and 1 more transcripts); c.5974A>G, p.Lys1992Glu (NM_001354897.2); c.5869A>G, p.Lys1957Glu (NM_001354898.2); c.5860A>G, p.Lys1954Glu (NM_001354899.2); c.5821A>G, p.Lys1941Glu (NM_001354900.2); c.5767A>G, p.Lys1923Glu (NM_001354901.2, NM_001407453.1); and 11 more; short protein forms K1598E, K1699E, K1853E, K1856E, K1923E, K1957E, K1982E, K2010E.
Identifiers: ClinVar variation 2768172 (VCV002768172.3), dbSNP rs876660665, ClinGen allele CA16034341.